The following is an entry in ClinVar:

ClinVar aggregate classification (germline): Conflicting classifications of pathogenicity. Review status: criteria provided, conflicting classifications (1 of 4 stars). 5 submissions from 5 submitters: Likely pathogenic (1); Uncertain significance (4). Last evaluated 2024-10-29.

Conditions:
Malignant hyperthermia, susceptibility to, 1 (MHS1). Also called: Anesthesia related hyperthermia; Malignant hyperpyrexia; Fulminating hyperpyrexia; Pharmacogenic myopathy; Malignant hyperthermia suceptibility 1; RYR1-Related Malignant Hyperthermia Susceptibility. Identifiers: Orphanet 423, MedGen C2930980, MONDO:0007783, OMIM 145600.
RYR1-related disorder. Also called: RYR1-related condition; RYR1-related disorders. Identifiers: MedGen CN239331.
Inborn genetic diseases. Identifiers: MedGen C0950123, MeSH D030342.

Allele frequency attached by ClinVar (database versions not stated): gnomAD exomes 0.00001.
gnomAD v4.1: 14 of 1,614,228 alleles (0.00087%); highest among the groups gnomAD compares: Non-Finnish European, 0.0011%; no homozygotes.

Submissions (5):

Ambry Genetics
Classification: Uncertain significance for Inborn genetic diseases. Last evaluated: 2024-10-29. Review status: criteria provided, single submitter. Criteria: Ambry Variant Classification Scheme 2023. Collection method: clinical testing. Allele origin: germline.

All of Us Research Program, National Institutes of Health
Classification: Uncertain significance for Malignant hyperthermia, susceptibility to, 1. Last evaluated: 2023-08-23. Review status: criteria provided, single submitter. Criteria: ACMG Guidelines, 2015. Collection method: clinical testing. Allele origin: germline. Inheritance: Autosomal dominant inheritance. Observed: 1 variant allele, 1 heterozygote.
Comment: This missense variant replaces glycine with serine at codon 1102 of the RYR1 protein. Computational prediction suggests that this variant may have deleterious impact on protein structure and function (internally defined REVEL score threshold >= 0.7, PMID: 27666373). To our knowledge, functional studies have not been reported for this variant. This variant has not been reported in individuals affected with RYR1-related disorders in the literature. This variant has not been identified in the general population by the Genome Aggregation Database (gnomAD). The available evidence is insufficient to determine the role of this variant in disease conclusively. Therefore, this variant is classified as a Variant of Uncertain Significance.

This study involves interpretation of variants in research participants for the purpose of population health screening. Participant phenotype was not available at the time of variant classification. Additional details can be found in publication PMID: 35346344, PMCID: PMC8962531

Labcorp Genetics (formerly Invitae), Labcorp
Classification: Uncertain significance for RYR1-related disorder. Last evaluated: 2022-08-29. Review status: criteria provided, single submitter. Criteria: Invitae Variant Classification Sherloc (09022015). Collection method: clinical testing. Allele origin: germline.
Comment: This sequence change replaces glycine, which is neutral and non-polar, with serine, which is neutral and polar, at codon 1102 of the RYR1 protein (p.Gly1102Ser). This variant is not present in population databases (gnomAD no frequency). This variant has not been reported in the literature in individuals affected with RYR1-related conditions. Advanced modeling of protein sequence and biophysical properties (such as structural, functional, and spatial information, amino acid conservation, physicochemical variation, residue mobility, and thermodynamic stability) performed at Invitae indicates that this missense variant is expected to disrupt RYR1 protein function. Algorithms developed to predict the effect of sequence changes on RNA splicing suggest that this variant may create or strengthen a splice site. In summary, the available evidence is currently insufficient to determine the role of this variant in disease. Therefore, it has been classified as a Variant of Uncertain Significance.

Blueprint Genetics
Classification: Likely pathogenic for RYR1-related disorders. Last evaluated: 2020-06-03. Review status: criteria provided, single submitter. Criteria: ACMG Guidelines, 2015. Collection method: clinical testing. Allele origin: germline. Affected: yes. Observed: 1 variant allele.

Revvity Omics, Revvity
Classification: Uncertain significance. Last evaluated: 2019-03-01. Review status: criteria provided, single submitter. Criteria: ACMG Guidelines, 2015. Collection method: clinical testing. Allele origin: germline.

NM_000540.3(RYR1):c.3304G>A (p.Gly1102Ser)

Gene: RYR1 (ryanodine receptor 1; plus strand). Cytogenetic location: 19q13.2.
Variant type: single nucleotide variant.
Coding change: c.3304G>A on transcript NM_000540.3 (MANE Select); coding-DNA position 3304, G replaced by A.
Protein change: p.Gly1102Ser; replaces glycine 1102 with serine.
Molecular consequence: missense variant.
Genome position (GRCh38, 1-based): chr19:38,467,735, G>A. VCF-style: chr19-38467735-G-A. GRCh37 (hg19) VCF-style: chr19-38958375-G-A.
Other names: c.3304G>A, p.Gly1102Ser (NM_001042723.2); short protein forms G1102S.
Identifiers: ClinVar variation 2187481 (VCV002187481.7), dbSNP rs1968185077, ClinGen allele CA405637286.